The following is an entry in ClinVar:

NM_001845.6(COL4A1):c.896G>T (p.Gly299Val)

Gene: COL4A1 (collagen type IV alpha 1 chain; minus strand). Cytogenetic location: 13q34.
Variant type: single nucleotide variant.
Coding change: c.896G>T on transcript NM_001845.6 (MANE Select); coding-DNA position 896, G replaced by T.
Protein change: p.Gly299Val; replaces glycine 299 with valine.
Molecular consequence: missense variant.
Genome position (GRCh38, 1-based): chr13:110,205,501, C>A on the plus strand (G>T on the coding strand, the complement: COL4A1 is on the minus strand). VCF-style: chr13-110205501-C-A. GRCh37 (hg19) VCF-style: chr13-110857848-C-A.
Other names: c.896G>T, p.Gly299Val (NM_001303110.2); short protein forms G299V.
Identifiers: ClinVar variation 2827037 (VCV002827037.4), dbSNP rs2501580028, ClinGen allele CA388724737.
Genomic context (GRCh38, chr13:110,205,501, plus strand): 5'-GCCAGTGGTAGGAACAGTGAGCCTGCTTGTAAAAACCACAGAGAAACACTTACGGGACTC[C>A]CTTTTTCCCCTTTGTCACCATCTTTTCCGGGTTTGCCCTGTAGAATAAAGATGTAAACGT-3'
Protein context (NP_001836.3, residues 289-309): PGKDGDKGEK[Gly299Val]SPGFPGEPGY

ClinVar aggregate classification (germline): Likely pathogenic (1 of 4 stars; one submission).

Submissions (2):

Labcorp Genetics (formerly Invitae), Labcorp
Classification: Likely pathogenic. Last evaluated: 2023-01-08. Review status: criteria provided, single submitter. Criteria: Invitae Variant Classification Sherloc (09022015). Collection method: clinical testing. Allele origin: germline.
Comment: In summary, the currently available evidence indicates that the variant is pathogenic, but additional data are needed to prove that conclusively. Therefore, this variant has been classified as Likely Pathogenic. This variant disrupts the triple helix domain of COL4A1. Glycine residues within the Gly-Xaa-Yaa repeats of the triple helix domain are required for the structure and stability of fibrillar collagens (PMID: 7695699, 8218237, 19344236). In COL4A1 variants affecting these glycine residues are significantly enriched in individuals with disease (PMID: 9016532, 17078022) compared to the general population (ExAC). Algorithms developed to predict the effect of sequence changes on RNA splicing suggest that this variant may create or strengthen a splice site. Advanced modeling of protein sequence and biophysical properties (such as structural, functional, and spatial information, amino acid conservation, physicochemical variation, residue mobility, and thermodynamic stability) performed at Invitae indicates that this missense variant is expected to disrupt COL4A1 protein function. This variant has not been reported in the literature in individuals affected with COL4A1-related conditions. This variant is not present in population databases (gnomAD no frequency). This sequence change replaces glycine, which is neutral and non-polar, with valine, which is neutral and non-polar, at codon 299 of the COL4A1 protein (p.Gly299Val).

Dr. Peter K. Rogan Lab, Western University
No classification provided (evidence only). Condition: Melanoma. Review status: no classification provided. Collection method: in vitro. Allele origin: not applicable. Functional consequence: retained intron. Not counted in ClinVar's aggregate classification.

Literature cited by the submitters: PubMed 7695699 (cited by Labcorp Genetics (formerly Invitae), Labcorp); PubMed 8218237 (cited by Labcorp Genetics (formerly Invitae), Labcorp); PubMed 19344236 (cited by Labcorp Genetics (formerly Invitae), Labcorp); PubMed 9016532 (cited by Labcorp Genetics (formerly Invitae), Labcorp); PubMed 17078022 (cited by Labcorp Genetics (formerly Invitae), Labcorp).